The following is an entry in ClinVar:

ClinVar aggregate classification (germline): Uncertain significance (1 of 4 stars; one submission).

Conditions:
Neu-Laxova syndrome 2. Identifiers: Orphanet 2671, Orphanet 583602, MedGen C4015019, MONDO:0014466, OMIM 616038.

Submission:

Labcorp Genetics (formerly Invitae), Labcorp
Classification: Uncertain significance for Neu-Laxova syndrome 2. Last evaluated: 2025-06-19. Review status: criteria provided, single submitter. Criteria: Invitae Variant Classification Sherloc (09022015). Collection method: clinical testing. Allele origin: germline.
Comment: This sequence change replaces serine, which is neutral and polar, with isoleucine, which is neutral and non-polar, at codon 84 of the PSAT1 protein (p.Ser84Ile). This variant is not present in population databases (gnomAD no frequency). This variant has not been reported in the literature in individuals affected with PSAT1-related conditions. ClinVar contains an entry for this variant (Variation ID: 1481380). Invitae Evidence Modeling of protein sequence and biophysical properties (such as structural, functional, and spatial information, amino acid conservation, physicochemical variation, residue mobility, and thermodynamic stability) indicates that this missense variant is expected to disrupt PSAT1 protein function with a positive predictive value of 80%. In summary, the available evidence is currently insufficient to determine the role of this variant in disease. Therefore, it has been classified as a Variant of Uncertain Significance.

NM_058179.4(PSAT1):c.251G>T (p.Ser84Ile)

Gene: PSAT1 (phosphoserine aminotransferase 1; plus strand). Cytogenetic location: 9q21.2.
Variant type: single nucleotide variant.
Coding change: c.251G>T on transcript NM_058179.4 (MANE Select); coding-DNA position 251, G replaced by T.
Protein change: p.Ser84Ile; replaces serine 84 with isoleucine.
Molecular consequence: missense variant.
Genome position (GRCh38, 1-based): chr9:78,304,794, G>T. VCF-style: chr9-78304794-G-T. GRCh37 (hg19) VCF-style: chr9-80919710-G-T.
Other names: c.251G>T, p.Ser84Ile (NM_021154.5); short protein forms S84I.
Identifiers: ClinVar variation 1481380 (VCV001481380.6), dbSNP rs1476912688, ClinGen allele CA373872152.